The following is an entry in ClinVar:

ClinVar aggregate classification (germline): Benign/Likely benign. Review status: criteria provided, multiple submitters, no conflicts (2 of 4 stars). 6 submissions from 6 submitters: Benign (2); Likely benign (4). Last evaluated 2025-04-07.

Conditions:
Tuberous sclerosis syndrome (TSC). Also called: Tuberous sclerosis; Tuberous Sclerosis Complex. Identifiers: Orphanet 805, MedGen C0041341, MONDO:0001734.
Tuberous sclerosis 1 (TSC1). Identifiers: Orphanet 805, MedGen C1854465, MONDO:0008612, OMIM 191100.
Hereditary cancer-predisposing syndrome. Also called: Neoplastic Syndromes, Hereditary; Tumor predisposition; Hereditary Cancer Syndrome; Hereditary neoplastic syndrome. Identifiers: Orphanet 140162, MedGen C0027672, MeSH D009386, MONDO:0015356.

Allele frequency attached by ClinVar (database versions not stated): gnomAD exomes below 0.00001; TOPMed below 0.00001.
gnomAD v4.1: 1 of 1,614,182 alleles (0.000062%); highest among the groups gnomAD compares: Non-Finnish European, 0.000085%; no homozygotes.

Submissions (6):

Myriad Genetics, Inc.
Classification: Benign for Tuberous sclerosis 1. Last evaluated: 2025-04-07. Review status: criteria provided, single submitter. Criteria: Myriad Autosomal Dominant, Autosomal Recessive and X-Linked Classification Criteria (2023). Collection method: clinical testing. Allele origin: unknown.
Comment: This variant is considered benign. This variant is a silent/synonymous amino acid change and it is not expected to impact splicing.

Blueprint Genetics
Classification: Likely benign. Last evaluated: 2024-11-04. Review status: criteria provided, single submitter. Criteria: ACMG Guidelines, 2015. Collection method: clinical testing. Allele origin: germline.

Labcorp Genetics (formerly Invitae), Labcorp
Classification: Likely benign for Tuberous sclerosis 1. Last evaluated: 2024-07-23. Review status: criteria provided, single submitter. Criteria: Invitae Variant Classification Sherloc (09022015). Collection method: clinical testing. Allele origin: germline.

All of Us Research Program, National Institutes of Health
Classification: Likely benign for Tuberous sclerosis syndrome. Last evaluated: 2024-07-10. Review status: criteria provided, single submitter. Criteria: ACMG Guidelines, 2015. Collection method: clinical testing. Allele origin: germline. Inheritance: Autosomal dominant inheritance. Observed: 1 variant allele, 1 heterozygote.
Comment: This study involves interpretation of variants in research participants for the purpose of population health screening. Participant phenotype was not available at the time of variant classification. Additional details can be found in publication PMID: 35346344, PMCID: PMC8962531

Genome-Nilou Lab
Classification: Benign for Tuberous sclerosis 1. Last evaluated: 2021-11-07. Review status: criteria provided, single submitter. Criteria: ACMG Guidelines, 2015. Collection method: clinical testing. Allele origin: germline. Affected: no.

Ambry Genetics
Classification: Likely benign for Hereditary cancer-predisposing syndrome. Last evaluated: 2018-09-06. Review status: criteria provided, single submitter. Criteria: Ambry Variant Classification Scheme 2023. Collection method: clinical testing. Allele origin: germline.

NM_000368.5(TSC1):c.33T>C (p.Leu11=)

Gene: TSC1 (TSC complex subunit 1; minus strand). Cytogenetic location: 9q34.13.
Variant type: single nucleotide variant.
Coding change: c.33T>C on transcript NM_000368.5 (MANE Select); coding-DNA position 33, T replaced by C.
Protein change: p.Leu11=; no amino-acid change (leucine 11 retained).
Molecular consequence: synonymous variant. On other transcripts: 5 prime UTR variant (1).
Genome position (GRCh38, 1-based): chr9:132,928,840, A>G on the plus strand (T>C on the coding strand, the complement: TSC1 is on the minus strand). VCF-style: chr9-132928840-A-G. GRCh37 (hg19) VCF-style: chr9-135804227-A-G.
Other names: c.33T>C, p.Leu11= (NM_001162426.2, NM_001162427.2); c.-227T>C (NM_001362177.2).
Identifiers: ClinVar variation 823726 (VCV000823726.18), dbSNP rs1329395556, ClinGen allele CA467594363.